The following is an entry in ClinVar:

NM_001931.5(DLAT):c.1406A>G (p.Glu469Gly)

Gene: DLAT (dihydrolipoamide S-acetyltransferase; plus strand). Cytogenetic location: 11q23.1.
Variant type: single nucleotide variant.
Coding change: c.1406A>G on transcript NM_001931.5 (MANE Select); coding-DNA position 1406, A replaced by G.
Protein change: p.Glu469Gly; replaces glutamic acid 469 with glycine.
Molecular consequence: missense variant. On other transcripts: non-coding transcript variant (1).
Genome position (GRCh38, 1-based): chr11:112,051,241, A>G. VCF-style: chr11-112051241-A-G. GRCh37 (hg19) VCF-style: chr11-111921965-A-G.
Other names: c.1406A>G (NM_001931.4); c.983A>G, p.Glu328Gly (NM_001372041.1); c.944A>G, p.Glu315Gly (NM_001372042.1); c.1424A>G, p.Glu475Gly (NM_001372031.1); c.1400A>G, p.Glu467Gly (NM_001372032.1); c.1406A>G, p.Glu469Gly (NM_001372033.1); c.1373A>G, p.Glu458Gly (NM_001372034.1); c.1298A>G, p.Glu433Gly (NM_001372035.1); and 5 more; short protein forms E315G, E328G, E342G, E364G, E376G, E413G, E427G, E433G.
Identifiers: ClinVar variation 1002009 (VCV001002009.10), dbSNP rs376141049, ClinGen allele CA6276924.

ClinVar aggregate classification (germline): Uncertain significance. Review status: criteria provided, multiple submitters, no conflicts (2 of 4 stars). 4 submissions from 4 submitters: Uncertain significance (4). Last evaluated 2025-08-21.

Conditions:
Inborn genetic diseases. Identifiers: MedGen C0950123, MeSH D030342.
Pyruvate dehydrogenase E2 deficiency (PDHDD). Also called: LACTIC ACIDEMIA DUE TO DEFECT OF E2 LIPOYL TRANSACETYLASE OF THE PYRUVATE DEHYDROGENASE COMPLEX; Dihydrolipoamide Acetyltransferase (E2) Deficiency. Identifiers: Orphanet 765, Orphanet 79244, MedGen C1855565, MONDO:0009502, OMIM 245348.

Allele frequency attached by ClinVar (database versions not stated): TOPMed 0.00006; ExAC 0.00006; gnomAD exomes 0.00008 and 0.00022; gnomAD 0.00013 and 0.00014; ESP Exome Variant Server 0.00015.
gnomAD v4.1: 329 of 1,609,014 alleles (0.02%); highest among the groups gnomAD compares: Non-Finnish European, 0.025%; no homozygotes.

Submissions (4):

Ambry Genetics
Classification: Uncertain significance for Inborn genetic diseases. Last evaluated: 2025-08-21. Review status: criteria provided, single submitter. Criteria: Ambry Variant Classification Scheme 2023. Collection method: clinical testing. Allele origin: germline.

Blueprint Genetics
Classification: Uncertain significance. Last evaluated: 2024-11-01. Review status: criteria provided, single submitter. Criteria: ACMG Guidelines, 2015. Collection method: clinical testing. Allele origin: germline.

GeneDx
Classification: Uncertain significance. Last evaluated: 2024-03-26. Review status: criteria provided, single submitter. Criteria: GeneDx Variant Classification Process June 2021. Collection method: clinical testing. Allele origin: germline. Affected: yes.
Comment: Has not been previously published as pathogenic or benign to our knowledge; In silico analysis supports that this missense variant has a deleterious effect on protein structure/function

Labcorp Genetics (formerly Invitae), Labcorp
Classification: Uncertain significance for Pyruvate dehydrogenase E2 deficiency. Last evaluated: 2021-08-28. Review status: criteria provided, single submitter. Criteria: Invitae Variant Classification Sherloc (09022015). Collection method: clinical testing. Allele origin: germline.
Comment: This sequence change replaces glutamic acid with glycine at codon 469 of the DLAT protein (p.Glu469Gly). The glutamic acid residue is weakly conserved and there is a moderate physicochemical difference between glutamic acid and glycine. This variant is present in population databases (rs376141049, ExAC 0.02%). This variant has not been reported in the literature in individuals affected with DLAT-related conditions. Advanced modeling of protein sequence and biophysical properties (such as structural, functional, and spatial information, amino acid conservation, physicochemical variation, residue mobility, and thermodynamic stability) performed at Invitae indicates that this missense variant is not expected to disrupt DLAT protein function. In summary, the available evidence is currently insufficient to determine the role of this variant in disease. Therefore, it has been classified as a Variant of Uncertain Significance.